The following is an entry in ClinVar:

NM_001035.3(RYR2):c.6793-5T>G

Gene: RYR2 (ryanodine receptor 2; plus strand). Cytogenetic location: 1q43.
Variant type: single nucleotide variant.
Coding change: c.6793-5T>G on transcript NM_001035.3 (MANE Select); 5 bases into the intron before coding-DNA position 6793, T replaced by G.
Molecular consequence: intron variant.
Genome position (GRCh38, 1-based): chr1:237,638,352, T>G. VCF-style: chr1-237638352-T-G. GRCh37 (hg19) VCF-style: chr1-237801652-T-G.
Other names: c.6793-5T>G (LRG_402t1).
Identifiers: ClinVar variation 404206 (VCV000404206.10), dbSNP rs1060500148, ClinGen allele CA16610077.

ClinVar aggregate classification (germline): Uncertain significance (1 of 4 stars; one submission).

Conditions:
Catecholaminergic polymorphic ventricular tachycardia 1. Also called: VENTRICULAR TACHYCARDIA, CATECHOLAMINERGIC POLYMORPHIC, 1, WITH OR WITHOUT ATRIAL DYSFUNCTION AND/OR DILATED CARDIOMYOPATHY; RYR2-Related Catecholaminergic Polymorphic Ventricular Tachycardia; VENTRICULAR TACHYCARDIA, STRESS-INDUCED POLYMORPHIC 1. Identifiers: Orphanet 3286, MedGen C1631597, MONDO:0011484, OMIM 604772.

Submission:

Labcorp Genetics (formerly Invitae), Labcorp
Classification: Uncertain significance for Catecholaminergic polymorphic ventricular tachycardia 1. Last evaluated: 2021-04-29. Review status: criteria provided, single submitter. Criteria: Invitae Variant Classification Sherloc (09022015). Collection method: clinical testing. Allele origin: germline.
Comment: In summary, the available evidence is currently insufficient to determine the role of this variant in disease. Therefore, it has been classified as a Variant of Uncertain Significance. Algorithms developed to predict the effect of sequence changes on RNA splicing suggest that this variant may disrupt the consensus splice site, but this prediction has not been confirmed by published transcriptional studies. This variant has not been reported in the literature in individuals with RYR2-related disease. ClinVar contains an entry for this variant (Variation ID: 404206). This variant is not present in population databases (ExAC no frequency). This sequence change falls in intron 44 of the RYR2 gene. It does not directly change the encoded amino acid sequence of the RYR2 protein.